The following is an entry in ClinVar:

ClinVar aggregate classification (germline): Uncertain significance. Review status: criteria provided, multiple submitters, no conflicts (2 of 4 stars). 2 submissions from 2 submitters: Uncertain significance (2). Last evaluated 2021-08-31.

Conditions:
Chédiak-Higashi syndrome (CHS). Also called: Chediak-Higashi Syndrome. Identifiers: Orphanet 167, MedGen C0007965, MONDO:0008963, OMIM 214500.

Allele frequency attached by ClinVar (database versions not stated): TOPMed below 0.00001; gnomAD exomes 0.00001.
gnomAD v4.1: 6 of 1,614,028 alleles (0.00037%); highest among the groups gnomAD compares: Non-Finnish European, 0.00051%; no homozygotes.

Submissions (2):

Labcorp Genetics (formerly Invitae), Labcorp
Classification: Uncertain significance for Chédiak-Higashi syndrome. Last evaluated: 2021-08-31. Review status: criteria provided, single submitter. Criteria: Invitae Variant Classification Sherloc (09022015). Collection method: clinical testing. Allele origin: germline.
Comment: This sequence change replaces glutamine with lysine at codon 3139 of the LYST protein (p.Gln3139Lys). The glutamine residue is moderately conserved and there is a small physicochemical difference between glutamine and lysine. This variant is not present in population databases (ExAC no frequency). This variant has not been reported in the literature in individuals affected with LYST-related conditions. Algorithms developed to predict the effect of missense changes on protein structure and function are either unavailable or do not agree on the potential impact of this missense change (SIFT: "Tolerated"; PolyPhen-2: "Probably Damaging"; Align-GVGD: "Class C0"). In summary, the available evidence is currently insufficient to determine the role of this variant in disease. Therefore, it has been classified as a Variant of Uncertain Significance.

Blueprint Genetics
Classification: Uncertain significance. Last evaluated: 2021-06-15. Review status: criteria provided, single submitter. Criteria: ACMG Guidelines, 2015. Collection method: clinical testing. Allele origin: germline.

NM_000081.4(LYST):c.9415C>A (p.Gln3139Lys)

Gene: LYST (lysosomal trafficking regulator; minus strand). Cytogenetic location: 1q42.3.
Variant type: single nucleotide variant.
Coding change: c.9415C>A on transcript NM_000081.4 (MANE Select); coding-DNA position 9415, C replaced by A.
Protein change: p.Gln3139Lys; replaces glutamine 3139 with lysine.
Molecular consequence: missense variant.
Genome position (GRCh38, 1-based): chr1:235,720,806, G>T on the plus strand (C>A on the coding strand, the complement: LYST is on the minus strand). VCF-style: chr1-235720806-G-T. GRCh37 (hg19) VCF-style: chr1-235884106-G-T.
Other names: c.9415C>A, p.Gln3139Lys (NM_001301365.1); short protein forms Q3139K.
Identifiers: ClinVar variation 654875 (VCV000654875.4), dbSNP rs1663292969, ClinGen allele CA344944025.